The following is an entry in ClinVar:

ClinVar aggregate classification (germline): Uncertain significance (1 of 4 stars; one submission).

Conditions:
Diamond-Blackfan anemia. Also called: Blackfan Diamond syndrome; Aregenerative anemia chronic congenital; Red cell aplasia, pure hereditary; Congenital hypoplastic anemia; Aase syndrome. Identifiers: Orphanet 124, MedGen C1260899, MeSH D029503, MONDO:0015253, HP:0004810.

Submission:

Labcorp Genetics (formerly Invitae), Labcorp
Classification: Uncertain significance for Diamond-Blackfan anemia. Last evaluated: 2016-06-11. Review status: criteria provided, single submitter. Criteria: Invitae Variant Classification Sherloc (09022015). Collection method: clinical testing. Allele origin: germline.
Comment: In summary, this variant is a novel missense change that is not predicted to affect protein function. There is no indication that it causes disease, but the available evidence is currently insufficient to prove that conclusively. Therefore, it has been classified as a Variant of Uncertain Significance. Algorithms developed to predict the effect of missense changes on protein structure and function (SIFT, PolyPhen-2, Align-GVGD) all suggest that this variant is likely to be tolerated, but these predictions have not been confirmed by published functional studies. This variant is not present in population databases (ExAC no frequency) and has not been reported in the literature in individuals with a RPL5-related disease. This sequence change replaces alanine with threonine at codon 290 of the RPL5 protein (p.Ala290Thr). The alanine residue is moderately conserved and there is a small physicochemical difference between alanine and threonine.

NM_000969.5(RPL5):c.868G>A (p.Ala290Thr)

Genes: DIPK1A (divergent protein kinase domain 1A; minus strand), RPL5 (ribosomal protein L5; plus strand). Cytogenetic location: 1p22.1.
Variant type: single nucleotide variant.
Coding change: c.868G>A on transcript NM_000969.5 (MANE Select); coding-DNA position 868, G replaced by A.
Protein change: p.Ala290Thr; replaces alanine 290 with threonine.
Molecular consequence: missense variant. On other transcripts: non-coding transcript variant (1), intron variant (1).
Genome position (GRCh38, 1-based): chr1:92,841,839, G>A. VCF-style: chr1-92841839-G-A. GRCh37 (hg19) VCF-style: chr1-93307396-G-A.
Other names: c.474+5344C>T (NM_001252273.2); short protein forms A290T.
Identifiers: ClinVar variation 411922 (VCV000411922.9), dbSNP rs1060503545, ClinGen allele CA16610167.